The following is an entry in ClinVar:

ClinVar aggregate classification (germline): Uncertain significance (1 of 4 stars; one submission).

Conditions:
Frontotemporal dementia and/or amyotrophic lateral sclerosis 1 (FTDALS1). Also called: Frontotemporal dementia with motor neuron disease 1; C9orf72 Frontotemporal Dementia and/or Amyotrophic Lateral Sclerosis. Identifiers: Orphanet 275872, MedGen C5779877, MONDO:0007105, OMIM 105550.
Paget disease of bone 2, early-onset (PDB2). Also called: Paget disease of bone 2. Identifiers: MedGen C4085251, MONDO:0011183, OMIM 602080.

Submission:

Labcorp Genetics (formerly Invitae), Labcorp
Classification: Uncertain significance for Paget disease of bone 2, early-onset; Frontotemporal dementia and/or amyotrophic lateral sclerosis 1. Last evaluated: 2024-03-13. Review status: criteria provided, single submitter. Criteria: Invitae Variant Classification Sherloc (09022015). Collection method: clinical testing. Allele origin: germline.
Comment: This sequence change replaces phenylalanine, which is neutral and non-polar, with leucine, which is neutral and non-polar, at codon 25 of the SQSTM1 protein (p.Phe25Leu). This variant is not present in population databases (gnomAD no frequency). This variant has not been reported in the literature in individuals affected with SQSTM1-related conditions. Advanced modeling of protein sequence and biophysical properties (such as structural, functional, and spatial information, amino acid conservation, physicochemical variation, residue mobility, and thermodynamic stability) performed at Invitae indicates that this missense variant is not expected to disrupt SQSTM1 protein function with a negative predictive value of 80%. In summary, the available evidence is currently insufficient to determine the role of this variant in disease. Therefore, it has been classified as a Variant of Uncertain Significance.

NM_003900.5(SQSTM1):c.75C>G (p.Phe25Leu)

Gene: SQSTM1 (sequestosome 1; plus strand). Cytogenetic location: 5q35.3.
Variant type: single nucleotide variant.
Coding change: c.75C>G on transcript NM_003900.5 (MANE Select); coding-DNA position 75, C replaced by G.
Protein change: p.Phe25Leu; replaces phenylalanine 25 with leucine.
Molecular consequence: missense variant. On other transcripts: intron variant (2).
Genome position (GRCh38, 1-based): chr5:179,821,011, C>G. VCF-style: chr5-179821011-C-G. GRCh37 (hg19) VCF-style: chr5-179248011-C-G.
Other names: c.-47-1947C>G (NM_001142298.2, NM_001142299.2); short protein forms F25L.
Identifiers: ClinVar variation 3755172 (VCV003755172.2).